The following is an entry in ClinVar:

ClinVar aggregate classification (germline): Pathogenic. Review status: criteria provided, multiple submitters, no conflicts (2 of 4 stars). 7 submissions from 7 submitters: Pathogenic (6). 1 of the submissions does not count toward it. Last evaluated 2026-02-02.

Conditions:
Hereditary nonpolyposis colorectal neoplasms. Identifiers: MedGen C0009405, MeSH D003123.
Hereditary cancer-predisposing syndrome. Also called: Hereditary Cancer Syndrome; Hereditary neoplastic syndrome; Neoplastic Syndromes, Hereditary; Tumor predisposition. Identifiers: Orphanet 140162, MedGen C0027672, MeSH D009386, MONDO:0015356.
Lynch syndrome 5 (LYNCH5). Also called: Hereditary non-polyposis colorectal cancer, type 5; Colorectal cancer, hereditary nonpolyposis, type 5. Identifiers: Orphanet 144, MedGen C1833477, MONDO:0013710, OMIM 614350. Disease mechanism: loss of function.

Submissions (7):

Labcorp Genetics (formerly Invitae), Labcorp
Classification: Pathogenic for Hereditary nonpolyposis colorectal neoplasms. Last evaluated: 2026-02-02. Review status: criteria provided, single submitter. Criteria: Invitae Variant Classification Sherloc (09022015). Collection method: clinical testing. Allele origin: germline.
Comment: This sequence change creates a premature translational stop signal (p.Arg1172*) in the MSH6 gene. It is expected to result in an absent or disrupted protein product. Loss-of-function variants in MSH6 are known to be pathogenic (PMID: 18269114, 24362816). This variant is present in population databases (no rsID available, gnomAD 0.003%). This premature translational stop signal has been observed in individual(s) with glioblastoma (PMID: 26787237). ClinVar contains an entry for this variant (Variation ID: 455267). For these reasons, this variant has been classified as Pathogenic.

GeneDx
Classification: Pathogenic. Last evaluated: 2025-07-21. Review status: criteria provided, single submitter. Criteria: GeneDx Variant Classification Process June 2021. Collection method: clinical testing. Allele origin: germline. Affected: yes.
Comment: Reported in a patient with glioblastoma in published literature (PMID: 26787237); Nonsense variant predicted to result in protein truncation or nonsense mediated decay in a gene for which loss of function is a known mechanism of disease; Not observed at significant frequency in large population cohorts (gnomAD); Truncating variants in this gene are considered pathogenic by a well-established clinical consortium and/or database; This variant is associated with the following publications: (PMID: 26787237)

Molecular Pathology, Peter Maccallum Cancer Centre
Classification: Pathogenic for Lynch syndrome 5. Last evaluated: 2024-12-30. Review status: criteria provided, single submitter. Criteria: ACMG Guidelines, 2015. Collection method: clinical testing. Allele origin: germline. Inheritance: Autosomal dominant inheritance.

Myriad Genetics, Inc.
Classification: Pathogenic for Lynch syndrome 5. Last evaluated: 2023-08-24. Review status: criteria provided, single submitter. Criteria: Myriad Autosomal Dominant, Autosomal Recessive and X-Linked Classification Criteria (2023). Collection method: clinical testing. Allele origin: unknown.
Comment: This variant is considered pathogenic. This variant creates a termination codon and is predicted to result in premature protein truncation.

Ambry Genetics
Classification: Pathogenic for Hereditary cancer-predisposing syndrome. Last evaluated: 2023-08-05. Review status: criteria provided, single submitter. Criteria: Ambry General Variant Classification Scheme_2022. Collection method: clinical testing. Allele origin: germline.
Comment: The c.3513_3523del11 pathogenic mutation, located in coding exon 6 of the MSH6 gene, results from a deletion of 11 nucleotides at nucleotide positions 3513 to 3523, causing a translational frameshift with a predicted alternate stop codon (p.R1172*). This alteration is expected to result in loss of function by premature protein truncation or nonsense-mediated mRNA decay. As such, this alteration is interpreted as a disease-causing mutation.

Color Diagnostics, LLC DBA Color Health
Classification: Pathogenic for Hereditary cancer-predisposing syndrome. Last evaluated: 2020-06-22. Review status: criteria provided, single submitter. Criteria: ACMG Guidelines, 2015. Collection method: clinical testing. Allele origin: germline.
Comment: This variant deletes 11 nucleotides in exon 6 of the MSH6 gene, creating a frameshift and premature translation stop signal. This variant is expected to result in an absent or non-functional protein product. This variant has been reported in an individuals affected with glioblastoma in the literature (PMID: 26787237). This variant has been identified in 1/251312 chromosomes in the general population by the Genome Aggregation Database (gnomAD). Loss of MSH6 function is a known mechanism of disease. Based on the available evidence, this variant is classified as Pathogenic.

Department of Pathology and Laboratory Medicine, Sinai Health System
Classification: Pathogenic. Review status: no assertion criteria provided. Collection method: clinical testing. Allele origin: unknown. Affected: yes. Study: The Canadian Open Genetics Repository (COGR). Not counted in ClinVar's aggregate classification.
Comment: The MSH6 p.Arg1172X variant was not identified in the literature nor was it identified in the dbSNP, ClinVar, Cosmic, MutDB, UMD-LSDB, Insight Colon Cancer Gene Variant Database, Zhejiang Colon Cancer Database, and Mismatch Repair Genes Variant databases. The variant was not identified in the 1000 Genomes Project, the NHLBI GO Exome Sequencing Project or the Exome Aggregation Consortium (August 8th 2016) control databases. The c.3513_3523del variant is predicted to cause a frameshift, which alters the protein's amino acid sequence beginning at codon 1172 and leads to a premature stop codon at position 1172. This alteration is then predicted to result in a truncated or absent protein and loss of function. Loss of function variants of the MSH6 gene are an established mechanism of disease in Lynch syndrome and this is the type of variant expected to cause the disorder. In summary, based on the above information this variant meets our laboratoryâ€šÃ„Ã´s criteria to be classified as pathogenic.

Literature cited by the submitters: PubMed 18269114 (cited by Labcorp Genetics (formerly Invitae), Labcorp); PubMed 24362816 (cited by Labcorp Genetics (formerly Invitae), Labcorp); PubMed 26787237 (cited by Labcorp Genetics (formerly Invitae), Labcorp and Ambry Genetics).

NM_000179.3(MSH6):c.3513_3523del (p.Asp1171_Arg1172insTer)

Gene: MSH6 (mutS homolog 6; plus strand). Cytogenetic location: 2p16.3.
Variant type: Deletion.
Coding change: c.3513_3523del on transcript NM_000179.3 (MANE Select); coding-DNA positions 3513 to 3523, 11 bases deleted (TAGAGTGTTTA).
Protein change: p.Asp1171_Arg1172insTer.
Molecular consequence: frameshift variant.
Genome position (GRCh38, 1-based): chr2:47,804,984-47,804,994, TAGAGTGTTTA deleted; deleting any 11 consecutive bases within chr2:47,804,983-47,804,994 gives the same sequence; the c. name uses the placement nearest the transcript's 3' end. VCF-style (leftmost placement, unchanged base first): chr2-47804982-GATAGAGTGTTT-G. GRCh37 (hg19) VCF-style: chr2-48032121-GATAGAGTGTTT-G.
Other names: c.3513_3523delTAGAGTGTTTA (NM_000179.2); c.3513_3523del11 (NM_000179.2); c.3123_3133del, p.Asp1041_Arg1042insTer (NM_001281492.2); c.2607_2617del, p.Asp869_Arg870insTer (NM_001281493.2, NM_001281494.2).
Identifiers: ClinVar variation 455267 (VCV000455267.19), dbSNP rs1324100572, ClinGen allele CA532705778.